The following is an entry in ClinVar:

NM_000426.4(LAMA2):c.7346dup (p.Ala2450fs)

Gene: LAMA2 (laminin subunit alpha 2; plus strand). Cytogenetic location: 6q22.33.
Variant type: Duplication.
Coding change: c.7346dup on transcript NM_000426.4 (MANE Select); coding-DNA position 7346, one base duplicated (T; older notation c.7346dupT).
Protein change: p.Ala2450fs; shifts the reading frame from alanine 2450.
Molecular consequence: frameshift variant.
Genome position (GRCh38, 1-based): chr6:129,473,259, T duplicated. VCF-style (leftmost placement, unchanged base first): chr6-129473258-A-AT. GRCh37 (hg19) VCF-style: chr6-129794403-A-AT.
Other names: c.7346dup, p.Ala2450fs (NM_001079823.2); short protein forms A2450fs.
Identifiers: ClinVar variation 5015851 (VCV005015851.1).
Genomic context (GRCh38, chr6:129,473,258, plus strand): 5'-TCTTTCTCCTTTACAGCCAATATATCAATTGTAGATATAGATACTAATCAGGAGGAGAAT[A>AT]TAGCAACTTCGTCTTCTGGAAACAACTTTGGTCTTGACTTGAAAGCAGATGACAAAATAT-3'

ClinVar aggregate classification (germline): Pathogenic (1 of 4 stars; one submission).

Conditions:
LAMA2-related muscular dystrophy (LAMA2-RD). Also called: Laminin alpha 2-related dystrophy. Identifiers: MedGen C5679788, MONDO:0100228.

Submission:

Myriad Genetics, Inc.
Classification: Pathogenic for LAMA2-related muscular dystrophy. Last evaluated: 2026-05-01. Review status: criteria provided, single submitter. Criteria: Myriad Autosomal Dominant, Autosomal Recessive and X-Linked Classification Criteria (2023). Collection method: clinical testing. Allele origin: unknown.
Comment: NM_000426.3(LAMA2):c.7346dupT(A2450Sfs*12) is expected to be pathogenic in the context of muscular dystrophy, LAMA2-related. This variant is predicted to lead to an abnormal or absent protein product due to the creation of a premature termination codon in LAMA2, a gene where loss-of-function variants are known to be pathogenic. Please note: this variant was assessed in the context of healthy population screening.